The following is an entry in ClinVar:

NM_001042492.3(NF1):c.5005T>A (p.Phe1669Ile)

Gene: NF1 (neurofibromin 1; plus strand). Cytogenetic location: 17q11.2.
Variant type: single nucleotide variant.
Coding change: c.5005T>A on transcript NM_001042492.3 (MANE Select); coding-DNA position 5005, T replaced by A.
Protein change: p.Phe1669Ile; replaces phenylalanine 1669 with isoleucine.
Molecular consequence: missense variant.
Genome position (GRCh38, 1-based): chr17:31,325,989, T>A. VCF-style: chr17-31325989-T-A. GRCh37 (hg19) VCF-style: chr17-29653007-T-A.
Other names: c.4942T>A, p.Phe1648Ile (NM_000267.4); short protein forms F1648I, F1669I.
Identifiers: ClinVar variation 4800774 (VCV004800774.1).

ClinVar aggregate classification (germline): Uncertain significance (1 of 4 stars; one submission).

Conditions:
Neurofibromatosis, type 1 (NF1). Also called: VON RECKLINGHAUSEN DISEASE; Neurofibromatosis, type I; NEUROFIBROMATOSIS, TYPE I, SOMATIC; Peripheral type neurofibromatosis. Identifiers: Orphanet 636, MedGen C0027831, MONDO:0018975, OMIM 162200. Disease mechanism: loss of function.

Submission:

Labcorp Genetics (formerly Invitae), Labcorp
Classification: Uncertain significance for Neurofibromatosis, type 1. Last evaluated: 2025-08-25. Review status: criteria provided, single submitter. Criteria: Invitae Variant Classification Sherloc (09022015). Collection method: clinical testing. Allele origin: germline.
Comment: This sequence change replaces phenylalanine, which is neutral and non-polar, with isoleucine, which is neutral and non-polar, at codon 1648 of the NF1 protein (p.Phe1648Ile). This variant is not present in population databases (gnomAD no frequency). This variant has not been reported in the literature in individuals affected with NF1-related conditions. Invitae Evidence Modeling of protein sequence and biophysical properties (such as structural, functional, and spatial information, amino acid conservation, physicochemical variation, residue mobility, and thermodynamic stability) indicates that this missense variant is not expected to disrupt NF1 protein function with a negative predictive value of 95%. In summary, the available evidence is currently insufficient to determine the role of this variant in disease. Therefore, it has been classified as a Variant of Uncertain Significance.